The following is an entry in ClinVar:

NM_001267550.2(TTN):c.21349G>A (p.Val7117Met)

Genes: TTN (titin; minus strand), LOC126806428 (BRD4-independent group 4 enhancer GRCh37_chr2:179588362-179589561; plus strand). Cytogenetic location: 2q31.2.
Variant type: single nucleotide variant.
Coding change: c.21349G>A on transcript NM_001267550.2 (MANE Select); coding-DNA position 21349, G replaced by A.
Protein change: p.Val7117Met; replaces valine 7117 with methionine.
Molecular consequence: missense variant. On other transcripts: intron variant (3).
Genome position (GRCh38, 1-based): chr2:178,723,910, C>T on the plus strand (G>A on the coding strand, the complement: TTN is on the minus strand). VCF-style: chr2-178723910-C-T. GRCh37 (hg19) VCF-style: chr2-179588637-C-T.
Other names: c.20398G>A, p.Val6800Met (NM_001256850.1); c.17617G>A, p.Val5873Met (NM_133378.4); c.13282+14172G>A (NM_003319.4); c.13858+14172G>A (NM_133437.4); c.13657+14172G>A (NM_133432.3); short protein forms V5873M, V6800M, V7117M.
Identifiers: ClinVar variation 4983294 (VCV004983294.1).

ClinVar aggregate classification (germline): Uncertain significance (1 of 4 stars; one submission).

Conditions:
TTN-related disorder. Also called: TTN-related disorders; TTN-related condition; TTN-related disease.

gnomAD v4.1: 26 of 1,613,298 alleles (0.0016%); highest among the groups gnomAD compares: East Asian, 0.027%; 1 homozygote.

Submission:

PreventionGenetics, part of Exact Sciences
Classification: Uncertain significance for TTN-related condition. Last evaluated: 2025-05-22. Review status: criteria provided, single submitter. Criteria: ACMG Guidelines, 2015. Collection method: clinical testing. Allele origin: germline.
Comment: The TTN c.21349G>A variant is predicted to result in the amino acid substitution p.Val7117Met. To our knowledge, this variant has not been reported in the literature. This variant is reported in 0.026% of alleles in individuals of East Asian descent in gnomAD. At this time, the clinical significance of this variant is uncertain due to the absence of conclusive functional and genetic evidence.